The following is an entry in ClinVar:

NM_004820.5(CYP7B1):c.314dup (p.Asn105fs)

Gene: CYP7B1 (cytochrome P450 family 7 subfamily B member 1; minus strand). Cytogenetic location: 8q12.3.
Variant type: Duplication.
Coding change: c.314dup on transcript NM_004820.5 (MANE Select); coding-DNA position 314, one base duplicated (A; older notation c.314dupA).
Protein change: p.Asn105fs; shifts the reading frame from asparagine 105.
Molecular consequence: frameshift variant.
Genome position (GRCh38, 1-based): chr8:64,616,227, T duplicated on the plus strand (A on the coding strand, the reverse complement: CYP7B1 is on the minus strand); the first of 6 consecutive T bases (chr8:64,616,227-64,616,232); duplicating any one gives the same sequence. VCF-style (leftmost placement, unchanged base first): chr8-64616226-A-AT. GRCh37 (hg19) VCF-style: chr8-65528783-A-AT.
Other names: c.314dup, p.Asn105fs (NM_001324112.2); c.314dupA (NM_004820.4); short protein forms N105fs.
Identifiers: ClinVar variation 989026 (VCV000989026.8), dbSNP rs747514385, ClinGen allele CA4764232.

ClinVar aggregate classification (germline): Pathogenic/Likely pathogenic. Review status: criteria provided, multiple submitters, no conflicts (2 of 4 stars). 5 submissions from 5 submitters: Pathogenic (4); Likely pathogenic (1). Last evaluated 2025-05-27.

Conditions:
Spastic paraplegia. Identifiers: MedGen C0037772, HP:0001258.
Hereditary spastic paraplegia 5A (SPG5A). Also called: SPASTIC PARAPLEGIA 5A, AUTOSOMAL RECESSIVE. Identifiers: Orphanet 100986, MedGen C1849115, MONDO:0010047, OMIM 270800.
CYP7B1-related disorder. Also called: CYP7B1-related condition.
Hereditary spastic paraplegia. Also called: Familial spastic paraparesis. Identifiers: Orphanet 685, MedGen C0037773, MONDO:0019064. Disease mechanism: loss of function.

Submissions (5):

Dasa
Classification: Pathogenic. Last evaluated: 2025-05-27. Review status: criteria provided, single submitter. Criteria: DASA Assertion Criteria. Collection method: clinical testing. Allele origin: germline.
Comment: NM_004820.5(CYP7B1):c.314dup (p.Asn105Lysfs*3) introduces a premature termination codon predicted to result in loss of normal protein function. Loss-of-function is an established mechanism of disease for this gene. This variant has been observed in affected individuals with related phenotype in a genotype context consistent with recessive disease. The variant is present at low frequency in population datasets. Based on the available data, this variant is classified as pathogenic.

Blueprint Genetics
Classification: Pathogenic for CYP7B1-related disorders. Last evaluated: 2024-11-08. Review status: criteria provided, single submitter. Criteria: ACMG Guidelines, 2015. Collection method: clinical testing. Allele origin: germline. Affected: yes. Observed: 1 variant allele.

Labcorp Genetics (formerly Invitae), Labcorp
Classification: Pathogenic for Spastic paraplegia. Last evaluated: 2024-08-06. Review status: criteria provided, single submitter. Criteria: Invitae Variant Classification Sherloc (09022015). Collection method: clinical testing. Allele origin: germline.
Comment: This sequence change creates a premature translational stop signal (p.Asn105Lysfs*3) in the CYP7B1 gene. It is expected to result in an absent or disrupted protein product. Loss-of-function variants in CYP7B1 are known to be pathogenic (PMID: 9802883, 19363635, 19439420, 21541746, 21567895, 28039895). This variant is present in population databases (rs747514385, gnomAD 0.0009%). This premature translational stop signal has been observed in individual(s) with hereditary spastic paraplegia (PMID: 18855023). This variant is also known as c.308_309insA. ClinVar contains an entry for this variant (Variation ID: 989026). For these reasons, this variant has been classified as Pathogenic.

Genome Diagnostics Laboratory, The Hospital for Sick Children
Classification: Likely pathogenic for Hereditary spastic paraplegia. Last evaluated: 2021-09-09. Review status: criteria provided, single submitter. Criteria: ACMG Guidelines, 2015. Collection method: clinical testing. Allele origin: germline. Affected: yes.

Paris Brain Institute, Inserm - ICM
Classification: Pathogenic for Hereditary spastic paraplegia 5A. Review status: criteria provided, single submitter. Criteria: ACMG Guidelines, 2015. Collection method: clinical testing. Allele origin: unknown. Affected: yes. Observed: 2 variant alleles.

Literature cited by the submitters: PubMed 9802883 (cited by Labcorp Genetics (formerly Invitae), Labcorp); PubMed 19363635 (cited by Labcorp Genetics (formerly Invitae), Labcorp); PubMed 19439420 (cited by Labcorp Genetics (formerly Invitae), Labcorp); PubMed 21541746 (cited by Labcorp Genetics (formerly Invitae), Labcorp); PubMed 21567895 (cited by Labcorp Genetics (formerly Invitae), Labcorp); PubMed 28039895 (cited by Labcorp Genetics (formerly Invitae), Labcorp); PubMed 18855023 (cited by Labcorp Genetics (formerly Invitae), Labcorp).